The following is an entry in ClinVar:

ClinVar aggregate classification (germline): Likely benign. Review status: criteria provided, multiple submitters, no conflicts (2 of 4 stars). 2 submissions from 2 submitters: Likely benign (2). Last evaluated 2024-11-06.

Conditions:
PHIP-related disorder. Also called: PHIP-related condition; PHIP-related disorders.

gnomAD v4.1: 11 of 1,595,518 alleles (0.00069%); highest among the groups gnomAD compares: Middle Eastern, 0.05%; no homozygotes.

Submissions (2):

PreventionGenetics, part of Exact Sciences
Classification: Likely benign for PHIP-related condition. Last evaluated: 2024-11-06. Review status: criteria provided, single submitter. Criteria: ACMG Guidelines, 2015. Collection method: clinical testing. Allele origin: germline.
Comment: This variant is classified as likely benign based on ACMG/AMP sequence variant interpretation guidelines (Richards et al. 2015 PMID: 25741868, with internal and published modifications).

Labcorp Genetics (formerly Invitae), Labcorp
Classification: Likely benign. Last evaluated: 2024-11-04. Review status: criteria provided, single submitter. Criteria: Invitae Variant Classification Sherloc (09022015). Collection method: clinical testing. Allele origin: germline.

NM_017934.7(PHIP):c.3380-7A>G

Genes: IRAK1BP1 (interleukin 1 receptor associated kinase 1 binding protein 1; plus strand), PHIP (PHIP subunit of CUL4-Ring ligase complex; minus strand). Cytogenetic location: 6q14.1.
Variant type: single nucleotide variant.
Coding change: c.3380-7A>G on transcript NM_017934.7 (MANE Select); 7 bases into the intron before coding-DNA position 3380, A replaced by G.
Molecular consequence: intron variant.
Genome position (GRCh38, 1-based): chr6:78,963,259, T>C on the plus strand (A>G on the coding strand, the complement: PHIP is on the minus strand). VCF-style: chr6-78963259-T-C. GRCh37 (hg19) VCF-style: chr6-79672976-T-C.
Other names: c.3380-7A>G (NM_017934.6).
Identifiers: ClinVar variation 3669718 (VCV003669718.3).
Genomic context (GRCh38, chr6:78,963,259, plus strand): 5'-TGCACTCACCATCAGTTAAAGGAACACTGGTACCTAGTTCTTCAGGAAATACAGCTGAAA[T>C]AGAAAAGCAGATCATTGCAAATACATGGTAACTTATTAGTATTCAGGTTAGCTTTAGAAT-3'